The following is an entry in ClinVar:

ClinVar aggregate classification (germline): Uncertain significance (1 of 4 stars; one submission).

Conditions:
Hereditary cancer-predisposing syndrome. Also called: Hereditary Cancer Syndrome; Hereditary neoplastic syndrome; Neoplastic Syndromes, Hereditary; Tumor predisposition. Identifiers: Orphanet 140162, MedGen C0027672, MeSH D009386, MONDO:0015356.

Submission:

Ambry Genetics
Classification: Uncertain significance for Hereditary cancer-predisposing syndrome. Last evaluated: 2021-03-04. Review status: criteria provided, single submitter. Criteria: Ambry Variant Classification Scheme 2023. Collection method: clinical testing. Allele origin: germline.
Comment: The p.A2D variant (also known as c.5C>A), located in coding exon 1 of the BLM gene, results from a C to A substitution at nucleotide position 5. The alanine at codon 2 is replaced by aspartic acid, an amino acid with dissimilar properties. This amino acid position is highly conserved in available vertebrate species. In addition, the in silico prediction for this alteration is inconclusive. Since supporting evidence is limited at this time, the clinical significance of this alteration remains unclear.

NM_000057.4(BLM):c.5C>A (p.Ala2Asp)

Gene: BLM (BLM RecQ like helicase; plus strand). Cytogenetic location: 15q26.1.
Variant type: single nucleotide variant.
Coding change: c.5C>A on transcript NM_000057.4 (MANE Select); coding-DNA position 5, C replaced by A.
Protein change: p.Ala2Asp; replaces alanine 2 with aspartic acid.
Molecular consequence: missense variant. On other transcripts: 5 prime UTR variant (1).
Genome position (GRCh38, 1-based): chr15:90,747,397, C>A. VCF-style: chr15-90747397-C-A. GRCh37 (hg19) VCF-style: chr15-91290627-C-A.
Other names: c.5C>A, p.Ala2Asp (NM_001287246.2, NM_001287247.2); c.-1287C>A (NM_001287248.2); short protein forms A2D.
Identifiers: ClinVar variation 1750979 (VCV001750979.2), dbSNP rs2505384668, ClinGen allele CA393838764.